The following is an entry in ClinVar:

ClinVar aggregate classification (germline): Uncertain significance. Review status: criteria provided, multiple submitters, no conflicts (2 of 4 stars). 2 submissions from 2 submitters: Uncertain significance (2). Last evaluated 2025-11-25.

Conditions:
Tumoral calcinosis, hyperphosphatemic, familial, 1. Also called: HYPEROSTOSIS WITH HYPERPHOSPHATEMIA; HYPEROSTOSIS-HYPERPHOSPHATEMIA SYNDROME; CORTICAL HYPEROSTOSIS WITH HYPERPHOSPHATEMIA; CALCINOSIS, TUMORAL, WITH HYPERPHOSPHATEMIA; LIPOCALCINOGRANULOMATOSIS; MORBUS TEUTSCHLAENDER. Identifiers: Orphanet 53715, MedGen C4692564, MONDO:0100252, OMIM 211900.

Allele frequency attached by ClinVar (database versions not stated): gnomAD exomes 0.00003 and 0.00004; ExAC 0.00005; gnomAD 0.00005 and 0.00006; TOPMed 0.00006; ESP Exome Variant Server 0.00015.
gnomAD v4.1: 71 of 1,613,988 alleles (0.0044%); highest among the groups gnomAD compares: East Asian, 0.0067%; no homozygotes.

Submissions (2):

Labcorp Genetics (formerly Invitae), Labcorp
Classification: Uncertain significance. Last evaluated: 2025-11-25. Review status: criteria provided, single submitter. Criteria: Invitae Variant Classification Sherloc (09022015). Collection method: clinical testing. Allele origin: germline.
Comment: This sequence change replaces arginine, which is basic and polar, with histidine, which is basic and polar, at codon 113 of the GALNT3 protein (p.Arg113His). This variant is present in population databases (rs200762567, gnomAD 0.01%). This variant has not been reported in the literature in individuals affected with GALNT3-related conditions. ClinVar contains an entry for this variant (Variation ID: 1409273). Invitae Evidence Modeling of protein sequence and biophysical properties (such as structural, functional, and spatial information, amino acid conservation, physicochemical variation, residue mobility, and thermodynamic stability) indicates that this missense variant is not expected to disrupt GALNT3 protein function with a negative predictive value of 80%. In summary, the available evidence is currently insufficient to determine the role of this variant in disease. Therefore, it has been classified as a Variant of Uncertain Significance.

Fulgent Genetics
Classification: Uncertain significance for Tumoral calcinosis, hyperphosphatemic, familial, 1. Last evaluated: 2024-04-23. Review status: criteria provided, single submitter. Criteria: ACMG Guidelines, 2015. Collection method: clinical testing. Allele origin: germline.

NM_004482.4(GALNT3):c.338G>A (p.Arg113His)

Gene: GALNT3 (polypeptide N-acetylgalactosaminyltransferase 3; minus strand). Cytogenetic location: 2q24.3.
Variant type: single nucleotide variant.
Coding change: c.338G>A on transcript NM_004482.4 (MANE Select); coding-DNA position 338, G replaced by A.
Protein change: p.Arg113His; replaces arginine 113 with histidine.
Molecular consequence: missense variant.
Genome position (GRCh38, 1-based): chr2:165,770,363, C>T on the plus strand (G>A on the coding strand, the complement: GALNT3 is on the minus strand). VCF-style: chr2-165770363-C-T. GRCh37 (hg19) VCF-style: chr2-166626873-C-T.
Other names: short protein forms R113H.
Identifiers: ClinVar variation 1409273 (VCV001409273.6), dbSNP rs200762567, ClinGen allele CA1941254.
Genomic context (GRCh38, chr2:165,770,363, plus strand): 5'-AAATTGGTTGTCTTGAATGCTTTACCAGAAGCACCAGGTGCATTTGAATCCTGAGGTGGA[C>T]GGTCAAGGACAGGCTTCAATTCTGCTGCTGTATAATATCCTTGCAAACAAGGTCTCTCAC-3'
Protein context (NP_004473.2, residues 103-123): TAAELKPVLD[Arg113His]PPQDSNAPGA